The following is an entry in ClinVar:

ClinVar aggregate classification (germline): Benign. Review status: criteria provided, multiple submitters, no conflicts (2 of 4 stars). 4 submissions from 4 submitters: Benign (4). Last evaluated 2021-11-19.

Conditions:
Triglyceride storage disease with ichthyosis (CDS). Also called: Chanarin-Dorfman Syndrome; ICHTHYOSIFORM ERYTHRODERMA WITH LEUKOCYTE VACUOLATION; TRIGLYCERIDE STORAGE DISEASE WITH IMPAIRED LONG-CHAIN FATTY ACID OXIDATION; Dorfman-Chanarin disease. Identifiers: Orphanet 98907, MedGen C0268238, MONDO:0010155, OMIM 275630.

Allele frequency attached by ClinVar (database versions not stated): ExAC 0.03779; TOPMed 0.02023; gnomAD exomes 0.03205; 1000 Genomes Project 0.03534; ESP Exome Variant Server 0.01941; gnomAD 0.01822; 1000 Genomes Project 30x 0.03264.
gnomAD v4.1: 42,976 of 1,568,598 alleles (2.7%); highest among the groups gnomAD compares: South Asian, 9%; 894 homozygotes.

Submissions 1 to 29 of 47:

Mayo Clinic Laboratories, Mayo Clinic
Classification: Benign. Last evaluated: 2021-11-19. Review status: criteria provided, single submitter. Criteria: ACMG Guidelines, 2015. Collection method: clinical testing. Allele origin: germline. Observed: 20 variant alleles.

GeneDx
Classification: Benign. Last evaluated: 2018-06-18. Review status: criteria provided, single submitter. Criteria: GeneDx Variant Classification (06012015). Collection method: clinical testing. Allele origin: germline. Affected: yes.
Comment: This variant is considered likely benign or benign based on one or more of the following criteria: it is a conservative change, it occurs at a poorly conserved position in the protein, it is predicted to be benign by multiple in silico algorithms, and/or has population frequency not consistent with disease.

Illumina Laboratory Services, Illumina
Classification: Benign for Triglyceride storage disease with ichthyosis. Last evaluated: 2018-01-12. Review status: criteria provided, single submitter. Criteria: ICSL Variant Classification Criteria 13 December 2019. Collection method: clinical testing. Allele origin: germline.
Comment: This variant was observed in the ICSL laboratory as part of a predisposition screen in an ostensibly healthy population. It had not been previously curated by ICSL or reported in the Human Gene Mutation Database (HGMD: prior to June 1st, 2018), and was therefore a candidate for classification through an automated scoring system. Utilizing variant allele frequency, disease prevalence and penetrance estimates, and inheritance mode, an automated score was calculated to assess if this variant is too frequent to cause the disease. Based on the score and internal cut-off values, a variant classified as benign is not then subjected to further curation. The score for this variant resulted in a classification of benign for this disease.

Breakthrough Genomics
Classification: Benign. Review status: criteria provided, single submitter. Criteria: ACMG Guidelines, 2015. Collection method: not provided. Allele origin: germline. Inheritance: Autosomal recessive inheritance. Affected: yes.

Dr. Peter K. Rogan Lab, Western University
No classification provided (evidence only). Condition: Clear cell carcinoma of kidney. Review status: no classification provided. Collection method: in vitro. Allele origin: not applicable. Functional consequence: retained intron. Not counted in ClinVar's aggregate classification.

Dr. Peter K. Rogan Lab, Western University
No classification provided (evidence only). Condition: Lung cancer. Review status: no classification provided. Collection method: in vitro. Allele origin: not applicable. Functional consequence: retained intron. Not counted in ClinVar's aggregate classification.

Dr. Peter K. Rogan Lab, Western University
No classification provided (evidence only). Condition: Lung cancer. Review status: no classification provided. Collection method: in vitro. Allele origin: not applicable. Functional consequence: retained intron. Not counted in ClinVar's aggregate classification.

Dr. Peter K. Rogan Lab, Western University
No classification provided (evidence only). Condition: Lung cancer. Review status: no classification provided. Collection method: in vitro. Allele origin: not applicable. Functional consequence: retained intron. Not counted in ClinVar's aggregate classification.

Dr. Peter K. Rogan Lab, Western University
No classification provided (evidence only). Condition: Lung cancer. Review status: no classification provided. Collection method: in vitro. Allele origin: not applicable. Functional consequence: retained intron. Not counted in ClinVar's aggregate classification.

Dr. Peter K. Rogan Lab, Western University
No classification provided (evidence only). Condition: Lung cancer. Review status: no classification provided. Collection method: in vitro. Allele origin: not applicable. Functional consequence: retained intron. Not counted in ClinVar's aggregate classification.

Dr. Peter K. Rogan Lab, Western University
No classification provided (evidence only). Condition: Melanoma. Review status: no classification provided. Collection method: in vitro. Allele origin: not applicable. Functional consequence: retained intron. Not counted in ClinVar's aggregate classification.

Dr. Peter K. Rogan Lab, Western University
No classification provided (evidence only). Condition: Melanoma. Review status: no classification provided. Collection method: in vitro. Allele origin: not applicable. Functional consequence: retained intron. Not counted in ClinVar's aggregate classification.

Dr. Peter K. Rogan Lab, Western University
No classification provided (evidence only). Condition: Melanoma. Review status: no classification provided. Collection method: in vitro. Allele origin: not applicable. Functional consequence: retained intron. Not counted in ClinVar's aggregate classification.

Dr. Peter K. Rogan Lab, Western University
No classification provided (evidence only). Condition: Melanoma. Review status: no classification provided. Collection method: in vitro. Allele origin: not applicable. Functional consequence: retained intron. Not counted in ClinVar's aggregate classification.

Dr. Peter K. Rogan Lab, Western University
No classification provided (evidence only). Condition: Melanoma. Review status: no classification provided. Collection method: in vitro. Allele origin: not applicable. Functional consequence: retained intron. Not counted in ClinVar's aggregate classification.

Dr. Peter K. Rogan Lab, Western University
No classification provided (evidence only). Condition: Uterine corpus endometrial carcinoma. Review status: no classification provided. Collection method: in vitro. Allele origin: not applicable. Functional consequence: retained intron. Not counted in ClinVar's aggregate classification.

Dr. Peter K. Rogan Lab, Western University
No classification provided (evidence only). Condition: Cervical cancer. Review status: no classification provided. Collection method: in vitro. Allele origin: not applicable. Functional consequence: retained intron. Not counted in ClinVar's aggregate classification.

Dr. Peter K. Rogan Lab, Western University
No classification provided (evidence only). Condition: Cervical cancer. Review status: no classification provided. Collection method: in vitro. Allele origin: not applicable. Functional consequence: retained intron. Not counted in ClinVar's aggregate classification.

Dr. Peter K. Rogan Lab, Western University
No classification provided (evidence only). Condition: Cervical cancer. Review status: no classification provided. Collection method: in vitro. Allele origin: not applicable. Functional consequence: retained intron. Not counted in ClinVar's aggregate classification.

Dr. Peter K. Rogan Lab, Western University
No classification provided (evidence only). Condition: Cervical cancer. Review status: no classification provided. Collection method: in vitro. Allele origin: not applicable. Functional consequence: retained intron. Not counted in ClinVar's aggregate classification.

Dr. Peter K. Rogan Lab, Western University
No classification provided (evidence only). Condition: Cervical cancer. Review status: no classification provided. Collection method: in vitro. Allele origin: not applicable. Functional consequence: retained intron. Not counted in ClinVar's aggregate classification.

Dr. Peter K. Rogan Lab, Western University
No classification provided (evidence only). Condition: Cervical cancer. Review status: no classification provided. Collection method: in vitro. Allele origin: not applicable. Functional consequence: retained intron. Not counted in ClinVar's aggregate classification.

Dr. Peter K. Rogan Lab, Western University
No classification provided (evidence only). Condition: Cervical cancer. Review status: no classification provided. Collection method: in vitro. Allele origin: not applicable. Functional consequence: retained intron. Not counted in ClinVar's aggregate classification.

Dr. Peter K. Rogan Lab, Western University
No classification provided (evidence only). Condition: Cervical cancer. Review status: no classification provided. Collection method: in vitro. Allele origin: not applicable. Functional consequence: retained intron. Not counted in ClinVar's aggregate classification.

Dr. Peter K. Rogan Lab, Western University
No classification provided (evidence only). Condition: Sarcoma. Review status: no classification provided. Collection method: in vitro. Allele origin: not applicable. Functional consequence: retained intron. Not counted in ClinVar's aggregate classification.

Dr. Peter K. Rogan Lab, Western University
No classification provided (evidence only). Condition: Sarcoma. Review status: no classification provided. Collection method: in vitro. Allele origin: not applicable. Functional consequence: retained intron. Not counted in ClinVar's aggregate classification.

Dr. Peter K. Rogan Lab, Western University
No classification provided (evidence only). Condition: Sarcoma. Review status: no classification provided. Collection method: in vitro. Allele origin: not applicable. Functional consequence: retained intron. Not counted in ClinVar's aggregate classification.

Dr. Peter K. Rogan Lab, Western University
No classification provided (evidence only). Condition: Sarcoma. Review status: no classification provided. Collection method: in vitro. Allele origin: not applicable. Functional consequence: retained intron. Not counted in ClinVar's aggregate classification.

Dr. Peter K. Rogan Lab, Western University
No classification provided (evidence only). Condition: Sarcoma. Review status: no classification provided. Collection method: in vitro. Allele origin: not applicable. Functional consequence: retained intron. Not counted in ClinVar's aggregate classification.

NM_016006.6(ABHD5):c.-19C>T

Genes: ABHD5 (abhydrolase domain containing 5, lysophosphatidic acid acyltransferase; plus strand), ANO10 (anoctamin 10; minus strand). Cytogenetic location: 3p21.33.
Variant type: single nucleotide variant.
Coding change: c.-19C>T on transcript NM_016006.6 (MANE Select); 19 bases upstream of the start codon, C replaced by T.
Molecular consequence: 5 prime UTR variant. On other transcripts: non-coding transcript variant (1), intron variant (2).
Genome position (GRCh38, 1-based): chr3:43,690,974, C>T. VCF-style: chr3-43690974-C-T. GRCh37 (hg19) VCF-style: chr3-43732466-C-T.
Other names: NC_000003.11:g.43732466C>T; c.-19C>T (NM_001355186.2, NM_001365650.1); c.-12+543G>A (NM_001346469.2, NM_001346468.2).
Identifiers: ClinVar variation 345213 (VCV000345213.10), dbSNP rs117630969, ClinGen allele CA2341192.
Genomic context (GRCh38, chr3:43,690,974, plus strand): 5'-TGCCGCGCCAGCCCGGGGCGGCCCAGTCGGCCTGTCAGCCGGCTTCGAGATAAGTCCCGG[C>T]GCTTGCGCGGCGGCGGCTATGGCGGCGGAGGAGGAGGAGGTGGACTCTGCCGACACCGGA-3'